The following is an entry in ClinVar:

ClinVar aggregate classification (germline): Uncertain significance (1 of 4 stars; one submission).

Conditions:
Parathyroid carcinoma (PRTC). Also called: Parathyroid gland carcinoma; CDC73-Related Parathyroid Carcinoma. Identifiers: Orphanet 143, MedGen C0687150, MONDO:0012004, OMIM 608266, HP:0006780.

Submission:

Labcorp Genetics (formerly Invitae), Labcorp
Classification: Uncertain significance for Parathyroid carcinoma. Last evaluated: 2025-12-23. Review status: criteria provided, single submitter. Criteria: Invitae Variant Classification Sherloc (09022015). Collection method: clinical testing. Allele origin: germline.
Comment: This sequence change replaces valine, which is neutral and non-polar, with alanine, which is neutral and non-polar, at codon 483 of the CDC73 protein (p.Val483Ala). This variant is not present in population databases (gnomAD no frequency). This variant has not been reported in the literature in individuals affected with CDC73-related conditions. Invitae Evidence Modeling of protein sequence and biophysical properties (such as structural, functional, and spatial information, amino acid conservation, physicochemical variation, residue mobility, and thermodynamic stability) indicates that this missense variant is not expected to disrupt CDC73 protein function with a negative predictive value of 80%. In summary, the available evidence is currently insufficient to determine the role of this variant in disease. Therefore, it has been classified as a Variant of Uncertain Significance.

NM_024529.5(CDC73):c.1448T>C (p.Val483Ala)

Gene: CDC73 (cell division cycle 73; plus strand). Cytogenetic location: 1q31.2.
Variant type: single nucleotide variant.
Coding change: c.1448T>C on transcript NM_024529.5 (MANE Select); coding-DNA position 1448, T replaced by C.
Protein change: p.Val483Ala; replaces valine 483 with alanine.
Molecular consequence: missense variant.
Genome position (GRCh38, 1-based): chr1:193,249,760, T>C. VCF-style: chr1-193249760-T-C. GRCh37 (hg19) VCF-style: chr1-193218890-T-C.
Other names: short protein forms V483A.
Identifiers: ClinVar variation 4743989 (VCV004743989.1).
Genomic context (GRCh38, chr1:193,249,760, plus strand): 5'-AATGATAACTTCTCTCCACCCTCTCTATAGTTAAAGCCTTCCATCTGAAGTATGATGAAG[T>C]TCGTCTGGATCCAAATGTTCAGAAATGGGATGTAACAGTATTAGAACTCAGCTATCACAA-3'
Protein context (NP_078805.3, residues 473-493): IKAFHLKYDE[Val483Ala]RLDPNVQKWD